The following is an entry in ClinVar:

ClinVar aggregate classification (germline): Uncertain significance. Review status: criteria provided, multiple submitters, no conflicts (2 of 4 stars). 5 submissions from 5 submitters: Uncertain significance (4). 1 of the submissions does not count toward it. Last evaluated 2026-01-16.

Conditions:
Hereditary cancer-predisposing syndrome. Also called: Tumor predisposition; Hereditary Cancer Syndrome; Hereditary neoplastic syndrome; Neoplastic Syndromes, Hereditary. Identifiers: Orphanet 140162, MedGen C0027672, MeSH D009386, MONDO:0015356.
Familial cancer of breast. Also called: hereditary breast carcinoma; BREAST CANCER, FAMILIAL; Hereditary breast cancer. Identifiers: Orphanet 227535, MedGen C0346153, MONDO:0016419, OMIM 114480. Disease mechanism: loss of function.
Ataxia-telangiectasia syndrome (AT). Also called: Ataxia telangiectasia (A-T); LOUIS-BAR SYNDROME; Cerebello-oculocutaneous telangiectasia; Immunodeficiency with ataxia telangiectasia; ATAXIA-TELANGIECTASIA, COMPLEMENTATION GROUP A; ATAXIA-TELANGIECTASIA, FRESNO VARIANT. Identifiers: Orphanet 100, MedGen C0004135, MONDO:0008840, OMIM 208900.

Allele frequency attached by ClinVar (database versions not stated): gnomAD exomes below 0.00001.
gnomAD v4.1: 4 of 1,613,904 alleles (0.00025%); highest among the groups gnomAD compares: Non-Finnish European, 0.00034%; no homozygotes.

Submissions (5):

Labcorp Genetics (formerly Invitae), Labcorp
Classification: Uncertain significance for Ataxia-telangiectasia syndrome. Last evaluated: 2026-01-16. Review status: criteria provided, single submitter. Criteria: Invitae Variant Classification Sherloc (09022015). Collection method: clinical testing. Allele origin: germline.
Comment: This sequence change replaces arginine, which is basic and polar, with serine, which is neutral and polar, at codon 568 of the ATM protein (p.Arg568Ser). This variant is not present in population databases (gnomAD no frequency). This variant has not been reported in the literature in individuals affected with ATM-related conditions. ClinVar contains an entry for this variant (Variation ID: 236678). Invitae Evidence Modeling of protein sequence and biophysical properties (such as structural, functional, and spatial information, amino acid conservation, physicochemical variation, residue mobility, and thermodynamic stability) indicates that this missense variant is not expected to disrupt ATM protein function with a negative predictive value of 95%. In summary, the available evidence is currently insufficient to determine the role of this variant in disease. Therefore, it has been classified as a Variant of Uncertain Significance.

Ambry Genetics
Classification: Uncertain significance for Hereditary cancer-predisposing syndrome. Last evaluated: 2025-06-05. Review status: criteria provided, single submitter. Criteria: Ambry Variant Classification Scheme 2023. Collection method: clinical testing. Allele origin: germline.
Comment: The p.R568S variant (also known as c.1704A>C), located in coding exon 10 of the ATM gene, results from an A to C substitution at nucleotide position 1704. The arginine at codon 568 is replaced by serine, an amino acid with dissimilar properties. This amino acid position is not well conserved in available vertebrate species. In addition, this alteration is predicted to be tolerated by in silico analysis. Since supporting evidence is limited at this time, the clinical significance of this alteration remains unclear.

Color Diagnostics, LLC DBA Color Health
Classification: Uncertain significance for Hereditary cancer-predisposing syndrome. Last evaluated: 2023-12-05. Review status: criteria provided, single submitter. Criteria: ACMG Guidelines, 2015. Collection method: clinical testing. Allele origin: germline.
Comment: This missense variant replaces arginine with serine at codon 568 of the ATM protein. Computational prediction suggests that this variant may not impact protein structure and function (internally defined REVEL score threshold <= 0.5, PMID: 27666373). To our knowledge, functional studies have not been reported for this variant. This variant has not been reported in individuals affected with ATM-related disorders in the literature. This variant has not been identified in the general population by the Genome Aggregation Database (gnomAD). The available evidence is insufficient to determine the role of this variant in disease conclusively. Therefore, this variant is classified as a Variant of Uncertain Significance.

Fulgent Genetics
Classification: Uncertain significance for Familial cancer of breast; Ataxia-telangiectasia syndrome. Last evaluated: 2022-01-13. Review status: criteria provided, single submitter. Criteria: ACMG Guidelines, 2015. Collection method: clinical testing. Allele origin: unknown.

Natera, Inc.
Classification: Uncertain significance for Ataxia-telangiectasia. Last evaluated: 2020-09-19. Review status: no assertion criteria provided. Collection method: clinical testing. Allele origin: germline. Not counted in ClinVar's aggregate classification.

NM_000051.4(ATM):c.1704A>C (p.Arg568Ser)

Gene: ATM (ATM serine/threonine kinase; plus strand). Cytogenetic location: 11q22.3.
Variant type: single nucleotide variant.
Coding change: c.1704A>C on transcript NM_000051.4 (MANE Select); coding-DNA position 1704, A replaced by C.
Protein change: p.Arg568Ser; replaces arginine 568 with serine.
Molecular consequence: missense variant.
Genome position (GRCh38, 1-based): chr11:108,251,933, A>C. VCF-style: chr11-108251933-A-C. GRCh37 (hg19) VCF-style: chr11-108122660-A-C.
Other names: c.1704A>C, p.Arg568Ser (NM_001351834.2); short protein forms R568S.
Identifiers: ClinVar variation 236678 (VCV000236678.22), dbSNP rs878853488, ClinGen allele CA10582798.